The following is an entry in ClinVar:

NM_000423.3(KRT2):c.*354C>T

Gene: KRT2 (keratin 2; minus strand). Cytogenetic location: 12q13.13.
Variant type: single nucleotide variant.
Coding change: c.*354C>T on transcript NM_000423.3 (MANE Select); 354 bases downstream of the stop codon, C replaced by T.
Molecular consequence: 3 prime UTR variant.
Genome position (GRCh38, 1-based): chr12:52,644,665, G>A on the plus strand (C>T on the coding strand, the complement: KRT2 is on the minus strand). VCF-style: chr12-52644665-G-A. GRCh37 (hg19) VCF-style: chr12-53038449-G-A.
Identifiers: ClinVar variation 309584 (VCV000309584.5), dbSNP rs138563926, ClinGen allele CA10633203.
Genomic context (GRCh38, chr12:52,644,665, plus strand): 5'-TCCGAAAGCAGAGTGGACAAGAGGAGCTATATACACAGAAACACATTTCCCCCCAGCACT[G>A]CCAGGCTTAGAGATGAAATCCCTGGATGGGCCTGGGTCCTCAACAGAATACACATCTGGA-3'

ClinVar aggregate classification (germline): Benign (1 of 4 stars; one submission).

Conditions:
Ichthyosis bullosa of Siemens (IBS). Also called: Superficial epidermolytic ichthyosis. Identifiers: Orphanet 455, MedGen C0432306, MONDO:0007813, OMIM 146800.

Allele frequency attached by ClinVar (database versions not stated): 1000 Genomes Project 30x 0.00062; TOPMed 0.00079; 1000 Genomes Project 0.00080; gnomAD 0.00093 and 0.00098; gnomAD exomes 0.00151.
gnomAD v4.1: 448 of 351,248 alleles (0.13%); highest among the groups gnomAD compares: Non-Finnish European, 0.19%; 1 homozygote.

Submission:

Illumina Laboratory Services, Illumina
Classification: Benign for Ichthyosis bullosa of Siemens. Last evaluated: 2018-01-13. Review status: criteria provided, single submitter. Criteria: ICSL Variant Classification Criteria 13 December 2019. Collection method: clinical testing. Allele origin: germline.
Comment: This variant was observed in the ICSL laboratory as part of a predisposition screen in an ostensibly healthy population. It had not been previously curated by ICSL or reported in the Human Gene Mutation Database (HGMD: prior to June 1st, 2018), and was therefore a candidate for classification through an automated scoring system. Utilizing variant allele frequency, disease prevalence and penetrance estimates, and inheritance mode, an automated score was calculated to assess if this variant is too frequent to cause the disease. Based on the score and internal cut-off values, a variant classified as benign is not then subjected to further curation. The score for this variant resulted in a classification of benign for this disease.